The following is an entry in ClinVar:

ClinVar aggregate classification (germline): Uncertain significance. Review status: criteria provided, multiple submitters, no conflicts (2 of 4 stars). 4 submissions from 4 submitters: Uncertain significance (4). Last evaluated 2025-06-12.

Conditions:
Cardiovascular phenotype. Identifiers: MedGen CN230736.
Dilated cardiomyopathy 1EE (CMD1EE). Identifiers: Orphanet 154, MedGen C2750466, MONDO:0013198, OMIM 613252.
Hypertrophic cardiomyopathy 14. Identifiers: MedGen C2750467, MONDO:0013197, OMIM 613251.
Atrial septal defect 3 (ASD3). Identifiers: Orphanet 1478, MedGen C3279790, MONDO:0013567, OMIM 614089.
Hypertrophic cardiomyopathy 1 (CMH1). Also called: Familial hypertrophic cardiomyopathy 1; MYH7-Related Familial Hypertrophic Cardiomyopathy. Identifiers: MedGen C3495498, MONDO:0008647, OMIM 192600.
Sick sinus syndrome 3, susceptibility to (SSS3). Identifiers: Orphanet 166282, MedGen C3279791, MONDO:0013568, OMIM 614090.

Allele frequency attached by ClinVar (database versions not stated): gnomAD 0.00002; TOPMed 0.00003; ESP Exome Variant Server 0.00008.
gnomAD v4.1: 22 of 1,612,844 alleles (0.0014%); highest among the groups gnomAD compares: African/African-American, 0.0053%; no homozygotes.

Submissions (4):

Labcorp Genetics (formerly Invitae), Labcorp
Classification: Uncertain significance for Hypertrophic cardiomyopathy 14. Last evaluated: 2025-06-12. Review status: criteria provided, single submitter. Criteria: Invitae Variant Classification Sherloc (09022015). Collection method: clinical testing. Allele origin: germline.
Comment: This sequence change replaces valine, which is neutral and non-polar, with isoleucine, which is neutral and non-polar, at codon 1233 of the MYH6 protein (p.Val1233Ile). This variant is not present in population databases (gnomAD no frequency). This variant has not been reported in the literature in individuals affected with MYH6-related conditions. ClinVar contains an entry for this variant (Variation ID: 1395791). Invitae Evidence Modeling of protein sequence and biophysical properties (such as structural, functional, and spatial information, amino acid conservation, physicochemical variation, residue mobility, and thermodynamic stability) indicates that this missense variant is not expected to disrupt MYH6 protein function with a negative predictive value of 80%. In summary, the available evidence is currently insufficient to determine the role of this variant in disease. Therefore, it has been classified as a Variant of Uncertain Significance.

Women's Health and Genetics/Laboratory Corporation of America, LabCorp
Classification: Uncertain significance. Last evaluated: 2023-08-19. Review status: criteria provided, single submitter. Criteria: LabCorp Variant Classification Summary - May 2015. Collection method: clinical testing. Allele origin: germline.

Ambry Genetics
Classification: Uncertain significance for Cardiovascular phenotype. Last evaluated: 2023-05-15. Review status: criteria provided, single submitter. Criteria: Ambry Variant Classification Scheme 2023. Collection method: clinical testing. Allele origin: germline.
Comment: The p.V1233I variant (also known as c.3697G>A), located in coding exon 24 of the MYH6 gene, results from a G to A substitution at nucleotide position 3697. The valine at codon 1233 is replaced by isoleucine, an amino acid with highly similar properties. This amino acid position is not well conserved in available vertebrate species. In addition, this alteration is predicted to be tolerated by in silico analysis. Since supporting evidence is limited at this time, the clinical significance of this alteration remains unclear.

Fulgent Genetics
Classification: Uncertain significance for Hypertrophic cardiomyopathy 1; Hypertrophic cardiomyopathy 14; Dilated cardiomyopathy 1EE; Atrial septal defect 3; Sick sinus syndrome 3, susceptibility to. Last evaluated: 2021-10-11. Review status: criteria provided, single submitter. Criteria: ACMG Guidelines, 2015. Collection method: clinical testing. Allele origin: unknown.

NM_002471.4(MYH6):c.3697G>A (p.Val1233Ile)

Gene: MYH6 (myosin heavy chain 6; minus strand). Cytogenetic location: 14q11.2.
Variant type: single nucleotide variant.
Coding change: c.3697G>A on transcript NM_002471.4 (MANE Select); coding-DNA position 3697, G replaced by A.
Protein change: p.Val1233Ile; replaces valine 1233 with isoleucine.
Molecular consequence: missense variant.
Genome position (GRCh38, 1-based): chr14:23,390,092, C>T on the plus strand (G>A on the coding strand, the complement: MYH6 is on the minus strand). VCF-style: chr14-23390092-C-T. GRCh37 (hg19) VCF-style: chr14-23859301-C-T.
Other names: short protein forms V1233I.
Identifiers: ClinVar variation 1395791 (VCV001395791.10), dbSNP rs144761217, ClinGen allele CA257783909.